The following is an entry in ClinVar:

ClinVar aggregate classification (germline): Uncertain significance (1 of 4 stars; one submission).

Allele frequency attached by ClinVar (database versions not stated): gnomAD 0.00001.

Submission:

Labcorp Genetics (formerly Invitae), Labcorp
Classification: Uncertain significance. Last evaluated: 2025-09-02. Review status: criteria provided, single submitter. Criteria: Invitae Variant Classification Sherloc (09022015). Collection method: clinical testing. Allele origin: germline.
Comment: This sequence change replaces glutamic acid, which is acidic and polar, with lysine, which is basic and polar, at codon 519 of the TOPORS protein (p.Glu519Lys). This variant is not present in population databases (gnomAD no frequency). This variant has not been reported in the literature in individuals affected with TOPORS-related conditions. ClinVar contains an entry for this variant (Variation ID: 1484406). An algorithm developed to predict the effect of missense changes on protein structure and function (PolyPhen-2) suggests that this variant is likely to be tolerated. In summary, the available evidence is currently insufficient to determine the role of this variant in disease. Therefore, it has been classified as a Variant of Uncertain Significance.

NM_005802.5(TOPORS):c.1555G>A (p.Glu519Lys)

Gene: TOPORS (TOP1 binding arginine/serine rich protein, E3 ubiquitin ligase; minus strand). Cytogenetic location: 9p21.1.
Variant type: single nucleotide variant.
Coding change: c.1555G>A on transcript NM_005802.5 (MANE Select); coding-DNA position 1555, G replaced by A.
Protein change: p.Glu519Lys; replaces glutamic acid 519 with lysine.
Molecular consequence: missense variant.
Genome position (GRCh38, 1-based): chr9:32,542,970, C>T on the plus strand (G>A on the coding strand, the complement: TOPORS is on the minus strand). VCF-style: chr9-32542970-C-T. GRCh37 (hg19) VCF-style: chr9-32542968-C-T.
Other names: c.1360G>A, p.Glu454Lys (NM_001195622.2); short protein forms E519K, E454K.
Identifiers: ClinVar variation 1484406 (VCV001484406.6), dbSNP rs1280296649, ClinGen allele CA373169419.